The following is an entry in ClinVar:

NM_000465.4(BARD1):c.215+59_215+60del

Gene: BARD1 (BRCA1 associated RING domain 1; minus strand). Cytogenetic location: 2q35.
Variant type: Deletion.
Coding change: c.215+59_215+60del on transcript NM_000465.4 (MANE Select); bases 59 to 60 of the intron after coding-DNA position 215, 2 bases deleted (AT; older notation c.215+59_215+60delAT).
Molecular consequence: intron variant.
Genome position (GRCh38, 1-based): chr2:214,797,001-214,797,002, AT deleted on the plus strand (AT on the coding strand, the reverse complement: BARD1 is on the minus strand). VCF-style (leftmost placement, unchanged base first): chr2-214797000-CAT-C. GRCh37 (hg19) VCF-style: chr2-215661724-CAT-C.
Other names: c.158+12410_158+12411del (NM_001282548.2); c.159-4557_159-4556del (NM_001282543.2); c.215+59_215+60del (NM_001282545.2, NM_001282549.2).
Identifiers: ClinVar variation 676462 (VCV000676462.2), dbSNP rs67240037, ClinGen allele CA64802283.

ClinVar aggregate classification (germline): Likely benign. Review status: criteria provided, multiple submitters, no conflicts (2 of 4 stars). 2 submissions from 2 submitters: Likely benign (2). Last evaluated 2022-04-19.

Conditions:
Hereditary breast ovarian cancer syndrome. Also called: BRCA1- and BRCA2-Associated Hereditary Breast and Ovarian Cancer; Hereditary breast and/or ovarian cancer syndrome; Hereditary breast and ovarian cancer syndrome (HBOC); Breast and ovarian cancer; Hereditary breast and ovarian cancer; Hereditary breast and ovarian cancer syndrome. Identifiers: Orphanet 145, MedGen C0677776, MeSH D061325, MONDO:0003582. Disease mechanism: loss of function.

Allele frequency attached by ClinVar (database versions not stated): 1000 Genomes Project 30x 0.00718; 1000 Genomes Project 0.00719; TOPMed 0.01340; gnomAD 0.01545 and 0.01582; ESP Exome Variant Server 0.01678; gnomAD exomes 0.02130.

Submissions (2):

National Health Laboratory Service, Universitas Academic Hospital and University of the Free State
Classification: Likely benign for Hereditary breast ovarian cancer syndrome. Last evaluated: 2022-04-19. Review status: criteria provided, single submitter. Criteria: ACMG Guidelines, 2015. Collection method: clinical testing. Allele origin: germline. Affected: yes. Observed: 1 variant allele.

GeneDx
Classification: Likely benign. Last evaluated: 2018-06-15. Review status: criteria provided, single submitter. Criteria: GeneDx Variant Classification (06012015). Collection method: clinical testing. Allele origin: germline. Affected: yes.
Comment: This variant is considered likely benign or benign based on one or more of the following criteria: it is a conservative change, it occurs at a poorly conserved position in the protein, it is predicted to be benign by multiple in silico algorithms, and/or has population frequency not consistent with disease.